The following is an entry in ClinVar:

ClinVar aggregate classification (germline): Uncertain significance. Review status: criteria provided, multiple submitters, no conflicts (2 of 4 stars). 4 submissions from 4 submitters: Uncertain significance (4). Last evaluated 2025-02-27.

Conditions:
Age related macular degeneration 1 (ARMD1). Also called: MACULOPATHY, AGE-RELATED, 1. Identifiers: MedGen C1864205, MONDO:0011285, OMIM 603075.

Allele frequency attached by ClinVar (database versions not stated): gnomAD exomes 0.00005 and 0.00006; gnomAD 0.00006 and 0.00007; ExAC 0.00008; TOPMed 0.00017.
gnomAD v4.1: 89 of 1,611,270 alleles (0.0055%); highest among the groups gnomAD compares: Admixed American, 0.044%; no homozygotes.

Submissions (4):

Labcorp Genetics (formerly Invitae), Labcorp
Classification: Uncertain significance. Last evaluated: 2025-02-27. Review status: criteria provided, single submitter. Criteria: Invitae Variant Classification Sherloc (09022015). Collection method: clinical testing. Allele origin: germline.
Comment: This sequence change replaces serine, which is neutral and polar, with glycine, which is neutral and non-polar, at codon 4656 of the HMCN1 protein (p.Ser4656Gly). This variant is present in population databases (rs776783939, gnomAD 0.02%). This missense change has been observed in individuals with clinical features of autosomal dominant inherited retinal dystrophy (internal data). ClinVar contains an entry for this variant (Variation ID: 874051). An algorithm developed to predict the effect of missense changes on protein structure and function (PolyPhen-2) suggests that this variant is likely to be tolerated. In summary, the available evidence is currently insufficient to determine the role of this variant in disease. Therefore, it has been classified as a Variant of Uncertain Significance.

Ambry Genetics
Classification: Uncertain significance. Last evaluated: 2024-11-26. Review status: criteria provided, single submitter. Criteria: Ambry Variant Classification Scheme 2023. Collection method: clinical testing. Allele origin: germline.

Genome-Nilou Lab
Classification: Uncertain significance for Age related macular degeneration 1. Last evaluated: 2023-04-11. Review status: criteria provided, single submitter. Criteria: ACMG Guidelines, 2015. Collection method: clinical testing. Allele origin: germline. Affected: no.

Illumina Laboratory Services, Illumina
Classification: Uncertain significance for Age related macular degeneration 1. Last evaluated: 2018-01-13. Review status: criteria provided, single submitter. Criteria: ICSL Variant Classification Criteria 13 December 2019. Collection method: clinical testing. Allele origin: germline.

NM_031935.3(HMCN1):c.13966A>G (p.Ser4656Gly)

Gene: HMCN1 (hemicentin 1; plus strand). Cytogenetic location: 1q31.1.
Variant type: single nucleotide variant.
Coding change: c.13966A>G on transcript NM_031935.3 (MANE Select); coding-DNA position 13966, A replaced by G.
Protein change: p.Ser4656Gly; replaces serine 4656 with glycine.
Molecular consequence: missense variant.
Genome position (GRCh38, 1-based): chr1:186,144,214, A>G. VCF-style: chr1-186144214-A-G. GRCh37 (hg19) VCF-style: chr1-186113346-A-G.
Other names: short protein forms S4656G.
Identifiers: ClinVar variation 874051 (VCV000874051.11), dbSNP rs776783939, ClinGen allele CA1294828.
Genomic context (GRCh38, chr1:186,144,214, plus strand): 5'-TCTTTTGGGGTGTTTGCAGTTCATGGAGCATGGAGCGCTTGGCAGCCTTGGGGAACATGC[A>G]GCGAAAGTTGTGGGAAAGGTACTCAGACAAGAGCAAGACTTTGTAATAACCCACCACCAG-3'
Protein context (NP_114141.2, residues 4646-4666): WSAWQPWGTC[Ser4656Gly]ESCGKGTQTR